The following is an entry in ClinVar:

NM_000044.6(AR):c.1144C>T (p.His382Tyr)

Gene: AR (androgen receptor; plus strand). Cytogenetic location: Xq12.
Variant type: single nucleotide variant.
Coding change: c.1144C>T on transcript NM_000044.6 (MANE Select); coding-DNA position 1144, C replaced by T.
Protein change: p.His382Tyr; replaces histidine 382 with tyrosine.
Molecular consequence: missense variant. On other transcripts: 5 prime UTR variant (1).
Genome position (GRCh38, 1-based): chrX:67,546,290, C>T. VCF-style: chrX-67546290-C-T. GRCh37 (hg19) VCF-style: chrX-66766132-C-T.
Other names: c.-640C>T (NM_001011645.3); c.1144C>T, p.His382Tyr (NM_001348061.1, NM_001348063.1, NM_001348064.1); short protein forms H382Y.
Identifiers: ClinVar variation 3769283 (VCV003769283.2).

ClinVar aggregate classification (germline): Uncertain significance (1 of 4 stars; one submission).

gnomAD v4.1: 4 of 1,202,184 alleles (0.00033%); highest among the groups gnomAD compares: African/African-American, 0.0017%; no homozygotes.

Submission:

Women's Health and Genetics/Laboratory Corporation of America, LabCorp
Classification: Uncertain significance. Last evaluated: 2025-01-03. Review status: criteria provided, single submitter. Criteria: LabCorp Variant Classification Summary - May 2015. Collection method: clinical testing. Allele origin: germline.
Comment: Variant summary: AR c.1144C>T (p.His382Tyr) results in a conservative amino acid change in the encoded protein sequence. Three of five in-silico tools predict a damaging effect of the variant on protein function. The variant allele was found at a frequency of 6.4e-06 in 157256 control chromosomes (gnomAD). The available data on variant occurrences in the general population are insufficient to allow any conclusion about variant significance. c.1144C>T has been reported in the literature in an individual(s) affected with male infertility (Rocca_2023). This report does not provide unequivocal conclusions about association of the variant with Androgen Resistance Syndrome. To our knowledge, no experimental evidence demonstrating an impact on protein function has been reported. The following publication has been ascertained in the context of this evaluation (PMID: 36394509). No submitters have cited clinical-significance assessments for this variant to ClinVar. Based on the evidence outlined above, the variant was classified as uncertain significance.

Literature cited by the submitters: PubMed 36394509.